The following is an entry in ClinVar:

ClinVar aggregate classification (germline): Pathogenic (1 of 4 stars; one submission).

Conditions:
Tuberous sclerosis 2 (TSC2). Identifiers: Orphanet 805, MedGen C1860707, MONDO:0013199, OMIM 613254.

Submission:

Labcorp Genetics (formerly Invitae), Labcorp
Classification: Pathogenic for Tuberous sclerosis 2. Last evaluated: 2016-05-13. Review status: criteria provided, single submitter. Criteria: Invitae Variant Classification Sherloc (09022015). Collection method: clinical testing. Allele origin: germline.
Comment: This sequence change is a gross deletion of the genomic region involving exons 33-39 of the TSC2 gene. This deletion removes 4,721 nucleotides (c.3884-497_5045del) including a portion of intron 32, all of exons 33-38, and a portion of exon 39. While it is uncertain how this deletion affects mRNA splicing, it is expected to result in an absent or disrupted TSC2 protein with an in-frame deletion of ~390 amino acids. While this particular deletion has not been reported in the literature, in-frame deletions within this region have been described. Deletions of exons 34-35 and exons 34-36 (reported as 33-34 and 33-35, respectively, using the legacy exon numbering) have been reported in individuals affected with tuberous sclerosis complex (TSC) in the TSC LOVD database (PMID: 11112665). This gross deletion is expected to disrupt the C-terminal GAP domain of the TSC2 protein, which is important for tumor suppression function (PMID: 8799170, 9045618, 18466115, 15340059). For these reasons, this variant has been classified as Pathogenic.

NM_000548.5(TSC2):c.3884-497_5045del

Gene: TSC2 (TSC complex subunit 2; plus strand). Cytogenetic location: 16p13.3.
Variant type: Deletion.
Coding change: c.3884-497_5045del on transcript NM_000548.5 (MANE Select); 497 bases into the intron before coding-DNA position 3884 through coding-DNA position 5045, 4,721 bases deleted.
Molecular consequence: splice acceptor variant, splice donor variant.
Genome position (GRCh38, 1-based): chr16:2,083,198-2,087,918, 4,721 bases deleted. GRCh37 (hg19): chr16:2,133,199-2,137,919.
Other names: c.3575-497_4736del (NM_001318827.2); c.3152-497_4313del (NM_001318831.2); c.3539-497_4700del (NM_001318829.2); c.3815-497_4976del (NM_001114382.3); c.3755-497_4916del (NM_021055.3, NM_001370405.1); c.3716-497_4877del (NM_001318832.2); c.3686-497_4847del (NM_001363528.2); c.3752-497_4913del (NM_001370404.1); and 1 more.
Identifiers: ClinVar variation 406064 (VCV000406064.1), ClinGen allele CA16614787.